The following is an entry in ClinVar:

NM_000807.4(GABRA2):c.1067A>C (p.Glu356Ala)

Gene: GABRA2 (gamma-aminobutyric acid type A receptor subunit alpha2; minus strand). Cytogenetic location: 4p12.
Variant type: single nucleotide variant.
Coding change: c.1067A>C on transcript NM_000807.4 (MANE Select); coding-DNA position 1067, A replaced by C.
Protein change: p.Glu356Ala; replaces glutamic acid 356 with alanine.
Molecular consequence: missense variant.
Genome position (GRCh38, 1-based): chr4:46,250,597, T>G on the plus strand (A>C on the coding strand, the complement: GABRA2 is on the minus strand). VCF-style: chr4-46250597-T-G. GRCh37 (hg19) VCF-style: chr4-46252614-T-G.
Other names: c.1067A>C, p.Glu356Ala (NM_001114175.3, NM_001377146.1, NM_001377147.1 and 4 more transcripts); c.1082A>C, p.Glu361Ala (NM_001286827.3); c.1247A>C, p.Glu416Ala (NM_001330690.2, NM_001377144.1, NM_001377145.1); c.902A>C, p.Glu301Ala (NM_001377152.1, NM_001377153.1, NM_001377154.1); short protein forms E356A, E361A, E416A, E301A.
Identifiers: ClinVar variation 2537024 (VCV002537024.5), dbSNP rs770470348, ClinGen allele CA2906570.

ClinVar aggregate classification (germline): Uncertain significance. Review status: criteria provided, multiple submitters, no conflicts (2 of 4 stars). 2 submissions from 2 submitters: Uncertain significance (2). Last evaluated 2023-08-11.

Conditions:
Inborn genetic diseases. Identifiers: MedGen C0950123, MeSH D030342.

gnomAD v4.1: 4 of 1,582,832 alleles (0.00025%); highest among the groups gnomAD compares: Non-Finnish European, 0.00026%; no homozygotes.

Submissions (2):

Labcorp Genetics (formerly Invitae), Labcorp
Classification: Uncertain significance. Last evaluated: 2023-08-11. Review status: criteria provided, single submitter. Criteria: Invitae Variant Classification Sherloc (09022015). Collection method: clinical testing. Allele origin: germline.
Comment: In summary, the available evidence is currently insufficient to determine the role of this variant in disease. Therefore, it has been classified as a Variant of Uncertain Significance. This sequence change replaces glutamic acid, which is acidic and polar, with alanine, which is neutral and non-polar, at codon 416 of the GABRA2 protein (p.Glu416Ala). This variant is present in population databases (rs770470348, gnomAD 0.003%). This variant has not been reported in the literature in individuals affected with GABRA2-related conditions. ClinVar contains an entry for this variant (Variation ID: 2537024). Experimental studies and prediction algorithms are not available or were not evaluated, and the functional significance of this variant is currently unknown.

Ambry Genetics
Classification: Uncertain significance for Inborn genetic diseases. Last evaluated: 2023-04-13. Review status: criteria provided, single submitter. Criteria: Ambry Variant Classification Scheme 2023. Collection method: clinical testing. Allele origin: germline.